The following is an entry in ClinVar:

NM_152703.5(SAMD9L):c.1766G>C (p.Arg589Pro)

Gene: SAMD9L (sterile alpha motif domain containing 9 like; minus strand). Cytogenetic location: 7q21.2.
Variant type: single nucleotide variant.
Coding change: c.1766G>C on transcript NM_152703.5 (MANE Select); coding-DNA position 1766, G replaced by C.
Protein change: p.Arg589Pro; replaces arginine 589 with proline.
Molecular consequence: missense variant.
Genome position (GRCh38, 1-based): chr7:93,134,206, C>G on the plus strand (G>C on the coding strand, the complement: SAMD9L is on the minus strand). VCF-style: chr7-93134206-C-G. GRCh37 (hg19) VCF-style: chr7-92763519-C-G.
Other names: c.1766G>C (NM_152703.2); c.1766G>C, p.Arg589Pro (NM_001303496.3, NM_001303497.3, NM_001303498.3 and 5 more transcripts); short protein forms R589P.
Identifiers: ClinVar variation 1001129 (VCV001001129.10), dbSNP rs376339948, ClinGen allele CA368194705.

ClinVar aggregate classification (germline): Uncertain significance. Review status: criteria provided, multiple submitters, no conflicts (2 of 4 stars). 3 submissions from 3 submitters: Uncertain significance (3). Last evaluated 2024-11-26.

Conditions:
Inborn genetic diseases. Identifiers: MedGen C0950123, MeSH D030342.

Allele frequency attached by ClinVar (database versions not stated): TOPMed 0.00002.
gnomAD v4.1: 3 of 1,612,850 alleles (0.00019%); highest among the groups gnomAD compares: Non-Finnish European, 0.00025%; no homozygotes.

Submissions (3):

Ambry Genetics
Classification: Uncertain significance for Inborn genetic diseases. Last evaluated: 2024-11-26. Review status: criteria provided, single submitter. Criteria: Ambry Variant Classification Scheme 2023. Collection method: clinical testing. Allele origin: germline.
Comment: The p.R589P variant (also known as c.1766G>C), located in coding exon 1 of the SAMD9L gene, results from a G to C substitution at nucleotide position 1766. The arginine at codon 589 is replaced by proline, an amino acid with dissimilar properties. This amino acid position is conserved. In addition, this alteration is predicted to be tolerated by in silico analysis. Based on the available evidence, the clinical significance of this variant remains unclear.

GeneDx
Classification: Uncertain significance. Last evaluated: 2024-08-09. Review status: criteria provided, single submitter. Criteria: GeneDx Variant Classification Process June 2021. Collection method: clinical testing. Allele origin: germline.
Comment: Not observed at significant frequency in large population cohorts (gnomAD); In silico analysis indicates that this missense variant does not alter protein structure/function; Has not been previously published as pathogenic or benign to our knowledge; This variant is associated with the following publications: (PMID: 28545555)

Labcorp Genetics (formerly Invitae), Labcorp
Classification: Uncertain significance. Last evaluated: 2020-10-07. Review status: criteria provided, single submitter. Criteria: Invitae Variant Classification Sherloc (09022015). Collection method: clinical testing. Allele origin: germline.
Comment: This variant is not present in population databases (ExAC no frequency). In summary, the available evidence is currently insufficient to determine the role of this variant in disease. Therefore, it has been classified as a Variant of Uncertain Significance. Algorithms developed to predict the effect of missense changes on protein structure and function are either unavailable or do not agree on the potential impact of this missense change (SIFT: "Not Available"; PolyPhen-2: "Possibly Damaging"; Align-GVGD: "Not Available"). This variant has not been reported in the literature in individuals with SAMD9L-related conditions. This sequence change replaces arginine with proline at codon 589 of the SAMD9L protein (p.Arg589Pro). The arginine residue is moderately conserved and there is a moderate physicochemical difference between arginine and proline.